The following is an entry in ClinVar:

ClinVar aggregate classification (germline): Likely benign (0 of 4 stars; one submission).

Conditions:
EPPK1-related disorder. Also called: EPPK1-related condition.

Allele frequency attached by ClinVar (database versions not stated): TOPMed 0.00002; gnomAD 0.00005; gnomAD exomes 0.00007; ESP Exome Variant Server 0.00008; 1000 Genomes Project 0.00020; ExAC 0.00020; 1000 Genomes Project 30x 0.00031.
gnomAD v4.1: 101 of 1,606,130 alleles (0.0063%); highest among the groups gnomAD compares: South Asian, 0.057%; no homozygotes.

Submission:

PreventionGenetics, part of Exact Sciences
Classification: Likely benign for EPPK1-related condition. Last evaluated: 2021-05-13. Review status: no assertion criteria provided. Collection method: clinical testing. Allele origin: germline.
Comment: This variant is classified as likely benign based on ACMG/AMP sequence variant interpretation guidelines (Richards et al. 2015 PMID: 25741868, with internal and published modifications).

NM_031308.4(EPPK1):c.4131G>A (p.Ala1377=)

Gene: EPPK1 (epiplakin 1; minus strand). Cytogenetic location: 8q24.3.
Variant type: single nucleotide variant.
Coding change: c.4131G>A on transcript NM_031308.4 (MANE Select); coding-DNA position 4131, G replaced by A.
Protein change: p.Ala1377=; no amino-acid change (alanine 1377 retained).
Molecular consequence: synonymous variant.
Genome position (GRCh38, 1-based): chr8:143,869,123, C>T on the plus strand (G>A on the coding strand, the complement: EPPK1 is on the minus strand). VCF-style: chr8-143869123-C-T. GRCh37 (hg19) VCF-style: chr8-144943291-C-T.
Identifiers: ClinVar variation 3046905 (VCV003046905.2), dbSNP rs370174488, ClinGen allele CA4922588.